The following is an entry in ClinVar:

NM_053025.4(MYLK):c.3525C>T (p.Asp1175=)

Gene: MYLK (myosin light chain kinase; minus strand). Cytogenetic location: 3q21.1.
Variant type: single nucleotide variant.
Coding change: c.3525C>T on transcript NM_053025.4 (MANE Select); coding-DNA position 3525, C replaced by T.
Protein change: p.Asp1175=; no amino-acid change (aspartic acid 1175 retained).
Molecular consequence: synonymous variant.
Genome position (GRCh38, 1-based): chr3:123,692,775, G>A on the plus strand (C>T on the coding strand, the complement: MYLK is on the minus strand). VCF-style: chr3-123692775-G-A. GRCh37 (hg19) VCF-style: chr3-123411622-G-A.
Other names: c.2997C>T, p.Asp999= (NM_001321309.2); c.3318C>T, p.Asp1106= (NM_053026.4, NM_053028.4); c.3525C>T, p.Asp1175= (NM_053027.4).
Identifiers: ClinVar variation 226763 (VCV000226763.50), dbSNP rs147735490, ClinGen allele CA069742.

ClinVar aggregate classification (germline): Benign. Review status: criteria provided, multiple submitters, no conflicts (2 of 4 stars). 9 submissions from 9 submitters: Benign (9). Last evaluated 2026-01-17.

Conditions:
Familial thoracic aortic aneurysm and aortic dissection (TAAD). Also called: Thoracic aortic aneurysms and dissections. Identifiers: Orphanet 91387, MedGen C4707243, MONDO:0019625.
Aortic aneurysm, familial thoracic 7 (AAT7). Also called: AORTIC DISSECTION, FAMILIAL, WITH OR WITHOUT AORTIC ANEURYSM. Identifiers: MedGen C3151077, MONDO:0013418, OMIM 613780.

Allele frequency attached by ClinVar (database versions not stated): gnomAD 0.00020 and 0.00058; TOPMed 0.00028; ESP Exome Variant Server 0.00038; gnomAD exomes 0.00085 and 0.00166; ExAC 0.00179; 1000 Genomes Project 30x 0.00219; 1000 Genomes Project 0.00240.
gnomAD v4.1: 1,348 of 1,614,024 alleles (0.084%); highest among the groups gnomAD compares: South Asian, 1.1%; 19 homozygotes.

Submissions (9):

Labcorp Genetics (formerly Invitae), Labcorp
Classification: Benign for Aortic aneurysm, familial thoracic 7. Last evaluated: 2026-01-17. Review status: criteria provided, single submitter. Criteria: Invitae Variant Classification Sherloc (09022015). Collection method: clinical testing. Allele origin: germline.

ARUP Laboratories, Molecular Genetics and Genomics, ARUP Laboratories
Classification: Benign. Last evaluated: 2025-05-29. Review status: criteria provided, single submitter. Criteria: ARUP Molecular Germline Variant Investigation Process 2024. Collection method: clinical testing. Allele origin: germline.

CeGaT Center for Human Genetics Tuebingen
Classification: Benign. Last evaluated: 2024-06-01. Review status: criteria provided, single submitter. Criteria: CeGaT Center For Human Genetics Tuebingen Variant Classification Criteria Version 2. Collection method: clinical testing. Allele origin: germline. Affected: yes. Observed: 1 variant allele.
Comment: MYLK: BP4, BP7, BS1, BS2

Women's Health and Genetics/Laboratory Corporation of America, LabCorp
Classification: Benign. Last evaluated: 2021-04-19. Review status: criteria provided, single submitter. Criteria: LabCorp Variant Classification Summary - May 2015. Collection method: clinical testing. Allele origin: germline.

Ambry Genetics
Classification: Benign for Familial thoracic aortic aneurysm and aortic dissection. Last evaluated: 2018-06-11. Review status: criteria provided, single submitter. Criteria: Ambry Variant Classification Scheme 2023. Collection method: clinical testing. Allele origin: germline.

CHEO Genetics Diagnostic Laboratory, Children's Hospital of Eastern Ontario
Classification: Benign for Familial thoracic aortic aneurysm and aortic dissection. Last evaluated: 2017-11-02. Review status: criteria provided, single submitter. Criteria: ACMG Guidelines, 2015. Collection method: clinical testing. Allele origin: germline.

GeneDx
Classification: Benign. Last evaluated: 2017-07-10. Review status: criteria provided, single submitter. Criteria: GeneDx Variant Classification (06012015). Collection method: clinical testing. Allele origin: germline. Affected: yes.
Comment: This variant is considered likely benign or benign based on one or more of the following criteria: it is a conservative change, it occurs at a poorly conserved position in the protein, it is predicted to be benign by multiple in silico algorithms, and/or has population frequency not consistent with disease.

Laboratory for Molecular Medicine, Mass General Brigham Personalized Medicine
Classification: Benign. Last evaluated: 2015-09-16. Review status: criteria provided, single submitter. Criteria: LMM Criteria. Collection method: clinical testing. Allele origin: germline. Observed: 1 variant allele.
Comment: p.Asp1175Asp in exon 19 of MYLK: This variant is not expected to have clinical s ignificance because it does not alter an amino acid residue and is not located w ithin the splice consensus sequence. It has been identified in 1.1% (184/16510) of South Asian chromosomes including 3 homozygous individuals by the Exome Aggre gation Consortium (ExAC; dbSNP rs147735490).

PreventionGenetics, part of Exact Sciences
Classification: Benign. Review status: criteria provided, single submitter. Criteria: ACMG Guidelines, 2015. Collection method: clinical testing. Allele origin: germline.